The following is an entry in ClinVar:

NM_000384.3(APOB):c.8200C>T (p.Pro2734Ser)

Gene: APOB (apolipoprotein B; minus strand). Cytogenetic location: 2p24.1.
Variant type: single nucleotide variant.
Coding change: c.8200C>T on transcript NM_000384.3 (MANE Select); coding-DNA position 8200, C replaced by T.
Protein change: p.Pro2734Ser; replaces proline 2734 with serine.
Molecular consequence: missense variant.
Genome position (GRCh38, 1-based): chr2:21,008,668, G>A on the plus strand (C>T on the coding strand, the complement: APOB is on the minus strand). VCF-style: chr2-21008668-G-A. GRCh37 (hg19) VCF-style: chr2-21231540-G-A.
Other names: short protein forms P2734S.
Identifiers: ClinVar variation 4793116 (VCV004793116.1).

ClinVar aggregate classification (germline): Uncertain significance (1 of 4 stars; one submission).

Conditions:
Familial hypobetalipoproteinemia 1. Also called: Hypobetalipoproteinemia, normotriglyceridemic; Acanthocytosis with hypobetalipoproteinemia; APOB-Related Familial Hypobetalipoproteinemia. Identifiers: MedGen C4551990, MONDO:0014252, OMIM 615558.
Hypercholesterolemia, autosomal dominant, type B (FHCL2). Also called: Familial Hypercholesterolemia Type B; APOLIPOPROTEIN B-100, FAMILIAL DEFECTIVE; APOLIPOPROTEIN B-100, FAMILIAL LIGAND-DEFECTIVE; HYPERCHOLESTEROLEMIA, FAMILIAL, DUE TO LIGAND-DEFECTIVE APOLIPOPROTEIN B; APOB-Related Familial Hypercholesterolemia, Autosomal Dominant; Hyperlipoproteinemia Type IIb. Identifiers: MedGen C1704417, MONDO:0007751, OMIM 144010.

Submission:

Labcorp Genetics (formerly Invitae), Labcorp
Classification: Uncertain significance for Familial hypobetalipoproteinemia 1; Hypercholesterolemia, autosomal dominant, type B. Last evaluated: 2025-09-23. Review status: criteria provided, single submitter. Criteria: Invitae Variant Classification Sherloc (09022015). Collection method: clinical testing. Allele origin: germline.
Comment: This sequence change replaces proline, which is neutral and non-polar, with serine, which is neutral and polar, at codon 2734 of the APOB protein (p.Pro2734Ser). This variant is not present in population databases (gnomAD no frequency). This variant has not been reported in the literature in individuals affected with APOB-related conditions. Invitae Evidence Modeling of protein sequence and biophysical properties (such as structural, functional, and spatial information, amino acid conservation, physicochemical variation, residue mobility, and thermodynamic stability) indicates that this missense variant is not expected to disrupt APOB protein function with a negative predictive value of 95%. In summary, the available evidence is currently insufficient to determine the role of this variant in disease. Therefore, it has been classified as a Variant of Uncertain Significance.